The following is an entry in ClinVar:

NM_004364.5(CEBPA):c.77C>G (p.Pro26Arg)

Gene: CEBPA (CCAAT enhancer binding protein alpha; minus strand). Cytogenetic location: 19q13.11.
Variant type: single nucleotide variant.
Coding change: c.77C>G on transcript NM_004364.5 (MANE Select); coding-DNA position 77, C replaced by G.
Protein change: p.Pro26Arg; replaces proline 26 with arginine.
Molecular consequence: missense variant. On other transcripts: 5 prime UTR variant (1).
Genome position (GRCh38, 1-based): chr19:33,302,338, G>C on the plus strand (C>G on the coding strand, the complement: CEBPA is on the minus strand). VCF-style: chr19-33302338-G-C. GRCh37 (hg19) VCF-style: chr19-33793244-G-C.
Other names: c.-281C>G (NM_001285829.2); c.182C>G, p.Pro61Arg (NM_001287424.2); c.35C>G, p.Pro12Arg (NM_001287435.2); short protein forms P12R, P61R, P26R.
Identifiers: ClinVar variation 1933340 (VCV001933340.6), dbSNP rs1216903258, ClinGen allele CA405275724.

ClinVar aggregate classification (germline): Conflicting classifications of pathogenicity. Review status: criteria provided, conflicting classifications (1 of 4 stars). 2 submissions from 2 submitters: Uncertain significance (1); Likely benign (1). Last evaluated 2025-05-17.

Conditions:
Inborn genetic diseases. Identifiers: MedGen C0950123, MeSH D030342.
Acute myeloid leukemia (AML). Also called: Acute myeloid leukemia, adult; AML adult; Acute non-lymphocytic leukemia; Acute granulocytic leukemia; Leukemia, acute myeloid, somatic; Leukemia, acute myelogenous, somatic. Identifiers: Orphanet 519, MedGen C0023467, MeSH D015470, MONDO:0018874, OMIM 601626, HP:0004808. Disease mechanism: Constitutively activated FLT3.

Allele frequency attached by ClinVar (database versions not stated): gnomAD exomes below 0.00001; gnomAD 0.00001.
gnomAD v4.1: 3 of 1,355,102 alleles (0.00022%); highest among the groups gnomAD compares: African/African-American, 0.0031%; no homozygotes.

Submissions (2):

Ambry Genetics
Classification: Likely benign for Inborn genetic diseases. Last evaluated: 2025-05-17. Review status: criteria provided, single submitter. Criteria: Ambry Variant Classification Scheme 2023. Collection method: clinical testing. Allele origin: germline.

Labcorp Genetics (formerly Invitae), Labcorp
Classification: Uncertain significance for Acute myeloid leukemia. Last evaluated: 2022-06-28. Review status: criteria provided, single submitter. Criteria: Invitae Variant Classification Sherloc (09022015). Collection method: clinical testing. Allele origin: germline.
Comment: In summary, the available evidence is currently insufficient to determine the role of this variant in disease. Therefore, it has been classified as a Variant of Uncertain Significance. Algorithms developed to predict the effect of missense changes on protein structure and function (SIFT, PolyPhen-2, Align-GVGD) all suggest that this variant is likely to be tolerated. This variant has not been reported in the literature in individuals affected with CEBPA-related conditions. This variant is present in population databases (no rsID available, gnomAD 0.01%). This sequence change replaces proline, which is neutral and non-polar, with arginine, which is basic and polar, at codon 26 of the CEBPA protein (p.Pro26Arg).